The following is an entry in ClinVar:

NM_004972.4(JAK2):c.3291+6A>C

Genes: INSL6 (insulin like 6; minus strand), JAK2 (Janus kinase 2; plus strand). Cytogenetic location: 9p24.1.
Variant type: single nucleotide variant.
Coding change: c.3291+6A>C on transcript NM_004972.4 (MANE Select); 6 bases into the intron after coding-DNA position 3291, A replaced by C.
Molecular consequence: intron variant.
Genome position (GRCh38, 1-based): chr9:5,126,452, A>C. VCF-style: chr9-5126452-A-C. GRCh37 (hg19) VCF-style: chr9-5126452-A-C.
Other names: c.3291+6A>C (NM_001322194.2, NM_001322195.2, NM_001322196.2 and 1 more transcripts); c.2076+6A>C (NM_001322198.2, NM_001322199.2); c.2844+6A>C (NM_001322204.2).
Identifiers: ClinVar variation 2059333 (VCV002059333.7), dbSNP rs180815947, ClinGen allele CA4972410.

ClinVar aggregate classification (germline): Likely benign. Review status: criteria provided, multiple submitters, no conflicts (2 of 4 stars). 3 submissions from 3 submitters: Likely benign (2). 1 of the submissions does not count toward it. Last evaluated 2026-01-19.

Conditions:
JAK2-related disorder. Also called: JAK2-related condition.

Allele frequency attached by ClinVar (database versions not stated): gnomAD 0.00026; ESP Exome Variant Server 0.00031; ExAC 0.00032; TOPMed 0.00037; 1000 Genomes Project 0.00040; gnomAD exomes 0.00040; 1000 Genomes Project 30x 0.00047.
gnomAD v4.1: 601 of 1,576,620 alleles (0.038%); highest among the groups gnomAD compares: Admixed American, 0.057%; 1 homozygote.

Submissions (3):

Labcorp Genetics (formerly Invitae), Labcorp
Classification: Likely benign. Last evaluated: 2026-01-19. Review status: criteria provided, single submitter. Criteria: Invitae Variant Classification Sherloc (09022015). Collection method: clinical testing. Allele origin: germline.

Blueprint Genetics
Classification: Likely benign. Last evaluated: 2024-09-20. Review status: criteria provided, single submitter. Criteria: ACMG Guidelines, 2015. Collection method: clinical testing. Allele origin: germline.

PreventionGenetics, part of Exact Sciences
Classification: Likely benign for JAK2-related condition. Last evaluated: 2021-06-30. Review status: no assertion criteria provided. Collection method: clinical testing. Allele origin: germline. Not counted in ClinVar's aggregate classification.
Comment: This variant is classified as likely benign based on ACMG/AMP sequence variant interpretation guidelines (Richards et al. 2015 PMID: 25741868, with internal and published modifications).